The following is an entry in ClinVar:

ClinVar aggregate classification (germline): Uncertain significance (1 of 4 stars; one submission).

Conditions:
Cardiovascular phenotype. Identifiers: MedGen CN230736.

Submission:

Ambry Genetics
Classification: Uncertain significance for Cardiovascular phenotype. Last evaluated: 2021-10-13. Review status: criteria provided, single submitter. Criteria: Ambry Variant Classification Scheme 2023. Collection method: clinical testing. Allele origin: germline.
Comment: The p.V164A variant (also known as c.491T>C), located in coding exon 3 of the GLA gene, results from a T to C substitution at nucleotide position 491. The valine at codon 164 is replaced by alanine, an amino acid with similar properties. This amino acid position is well conserved in available vertebrate species. In addition, this alteration is predicted to be deleterious by in silico analysis. Since supporting evidence is limited at this time, the clinical significance of this alteration remains unclear.

NM_000169.3(GLA):c.491T>C (p.Val164Ala)

Genes: GLA (galactosidase alpha; minus strand), RPL36A-HNRNPH2 (RPL36A-HNRNPH2 readthrough; plus strand). Cytogenetic location: Xq22.1.
Variant type: single nucleotide variant.
Coding change: c.491T>C on transcript NM_000169.3 (MANE Select); coding-DNA position 491, T replaced by C.
Protein change: p.Val164Ala; replaces valine 164 with alanine.
Molecular consequence: missense variant. On other transcripts: non-coding transcript variant (3), intron variant (2).
Genome position (GRCh38, 1-based): chrX:101,401,688, A>G on the plus strand (T>C on the coding strand, the complement: GLA is on the minus strand). VCF-style: chrX-101401688-A-G. GRCh37 (hg19) VCF-style: chrX-100656676-A-G.
Other names: c.614T>C, p.Val205Ala (NM_001406747.1, NM_001406749.1); c.491T>C, p.Val164Ala (NM_001406748.1); c.300+6231A>G (NM_001199973.2); c.177+9866A>G (NM_001199974.2); short protein forms V164A, V205A.
Identifiers: ClinVar variation 1744116 (VCV001744116.2), dbSNP rs2520895621, ClinGen allele CA413929122.